The following is an entry in ClinVar:

ClinVar aggregate classification (germline): Benign/Likely benign. Review status: criteria provided, multiple submitters, no conflicts (2 of 4 stars). 7 submissions from 7 submitters: Benign (3); Likely benign (2). 2 of the submissions do not count toward it. Last evaluated 2026-01-25.

Conditions:
MEGF8-related Carpenter syndrome. Also called: Carpenter syndrome 2. Identifiers: Orphanet 65759, MedGen C3554247, MONDO:0013998, OMIM 614976.

Allele frequency attached by ClinVar (database versions not stated): gnomAD 0.00051 and 0.00076; ESP Exome Variant Server 0.00054; TOPMed 0.00060; gnomAD exomes 0.00121 and 0.00191; 1000 Genomes Project 0.00160; 1000 Genomes Project 30x 0.00187; ExAC 0.00261.
gnomAD v4.1: 1,915 of 1,610,756 alleles (0.12%); highest among the groups gnomAD compares: South Asian, 1%; 13 homozygotes.

Submissions (7):

Labcorp Genetics (formerly Invitae), Labcorp
Classification: Benign for MEGF8-related Carpenter syndrome. Last evaluated: 2026-01-25. Review status: criteria provided, single submitter. Criteria: Invitae Variant Classification Sherloc (09022015). Collection method: clinical testing. Allele origin: germline.

Genomic Medicine Center of Excellence, King Faisal Specialist Hospital and Research Centre
Classification: Likely benign. Last evaluated: 2025-08-18. Review status: criteria provided, single submitter. Criteria: ACMG Guidelines, 2015. Collection method: clinical testing. Allele origin: germline.

CeGaT Center for Human Genetics Tuebingen
Classification: Benign. Last evaluated: 2025-03-01. Review status: criteria provided, single submitter. Criteria: CeGaT Center For Human Genetics Tuebingen Variant Classification Criteria Version 2. Collection method: clinical testing. Allele origin: germline. Affected: yes. Observed: 1 variant allele.
Comment: MEGF8: BP4, BS1, BS2

Blueprint Genetics
Classification: Likely benign. Last evaluated: 2024-10-23. Review status: criteria provided, single submitter. Criteria: ACMG Guidelines, 2015. Collection method: clinical testing. Allele origin: germline.

Breakthrough Genomics
Classification: Benign. Review status: criteria provided, single submitter. Criteria: ACMG Guidelines, 2015. Collection method: not provided. Allele origin: germline. Inheritance: Autosomal recessive inheritance. Affected: yes.

Clinical Genetics DNA and cytogenetics Diagnostics Lab, Erasmus MC, Erasmus Medical Center
Classification: Likely benign. Review status: no assertion criteria provided. Collection method: clinical testing. Allele origin: germline. Affected: yes. Study: VKGL Data-share Consensus. Not counted in ClinVar's aggregate classification.

Laboratory of Diagnostic Genome Analysis, Leiden University Medical Center (LUMC)
Classification: Likely benign. Review status: no assertion criteria provided. Collection method: clinical testing. Allele origin: germline. Affected: yes. Study: VKGL Data-share Consensus. Not counted in ClinVar's aggregate classification.

NM_001271938.2(MEGF8):c.4781G>A (p.Arg1594His)

Gene: MEGF8 (multiple EGF like domains 8; plus strand). Cytogenetic location: 19q13.2.
Variant type: single nucleotide variant.
Coding change: c.4781G>A on transcript NM_001271938.2 (MANE Select); coding-DNA position 4781, G replaced by A.
Protein change: p.Arg1594His; replaces arginine 1594 with histidine.
Molecular consequence: missense variant.
Genome position (GRCh38, 1-based): chr19:42,356,932, G>A. VCF-style: chr19-42356932-G-A. GRCh37 (hg19) VCF-style: chr19-42861084-G-A.
Other names: c.4580G>A, p.Arg1527His (NM_001410.3); short protein forms R1527H, R1594H.
Identifiers: ClinVar variation 702097 (VCV000702097.22), dbSNP rs141153248, ClinGen allele CA9475365.